The following is an entry in ClinVar:

NM_005502.4(ABCA1):c.4297G>A (p.Glu1433Lys)

Gene: ABCA1 (ATP binding cassette subfamily A member 1; minus strand). Cytogenetic location: 9q31.1.
Variant type: single nucleotide variant.
Coding change: c.4297G>A on transcript NM_005502.4 (MANE Select); coding-DNA position 4297, G replaced by A.
Protein change: p.Glu1433Lys; replaces glutamic acid 1433 with lysine.
Molecular consequence: missense variant.
Genome position (GRCh38, 1-based): chr9:104,806,408, C>T on the plus strand (G>A on the coding strand, the complement: ABCA1 is on the minus strand). VCF-style: chr9-104806408-C-T. GRCh37 (hg19) VCF-style: chr9-107568689-C-T.
Other names: short protein forms E1433K.
Identifiers: ClinVar variation 3833230 (VCV003833230.1).

ClinVar aggregate classification (germline): Uncertain significance (1 of 4 stars; one submission).

Conditions:
Cardiovascular phenotype. Identifiers: MedGen CN230736.

gnomAD v4.1: 2 of 1,614,160 alleles (0.00012%); highest among the groups gnomAD compares: Non-Finnish European, 0.00017%; no homozygotes.

Submission:

Ambry Genetics
Classification: Uncertain significance for Cardiovascular phenotype. Last evaluated: 2025-01-16. Review status: criteria provided, single submitter. Criteria: Ambry Variant Classification Scheme 2023. Collection method: clinical testing. Allele origin: germline.
Comment: The p.E1433K variant (also known as c.4297G>A), located in coding exon 30 of the ABCA1 gene, results from a G to A substitution at nucleotide position 4297. The glutamic acid at codon 1433 is replaced by lysine, an amino acid with similar properties. This amino acid position is conserved. In addition, the in silico prediction for this alteration is inconclusive. Based on the available evidence, the clinical significance of this variant remains unclear.